The following is an entry in ClinVar:

ClinVar aggregate classification (germline): Pathogenic/Likely pathogenic. Review status: criteria provided, multiple submitters, no conflicts (2 of 4 stars). 4 submissions from 4 submitters: Pathogenic (3); Likely pathogenic (1). Last evaluated 2023-12-19.

Conditions:
Familial adenomatous polyposis 4 (FAP4). Also called: MSH3-related attenuated familial adenomatous polyposis. Identifiers: Orphanet 480536, MedGen C4310719, MONDO:0044300, OMIM 617100.
Hereditary cancer-predisposing syndrome. Also called: Hereditary neoplastic syndrome; Tumor predisposition; Hereditary Cancer Syndrome; Neoplastic Syndromes, Hereditary. Identifiers: Orphanet 140162, MedGen C0027672, MeSH D009386, MONDO:0015356.
Endometrial carcinoma. Also called: Endometrial carcinoma, somatic. Identifiers: MedGen C0476089, MONDO:0002447, OMIM 608089, HP:0012114.

Allele frequency attached by ClinVar (database versions not stated): gnomAD exomes 0.00001; ExAC 0.00002.

Submissions (4):

Ambry Genetics
Classification: Pathogenic for Hereditary cancer-predisposing syndrome. Last evaluated: 2023-12-19. Review status: criteria provided, single submitter. Criteria: Ambry Variant Classification Scheme 2023. Collection method: clinical testing. Allele origin: germline.
Comment: The c.2835delA pathogenic mutation, located in coding exon 21 of the MSH3 gene, results from a deletion of one nucleotide at nucleotide position 2835, causing a translational frameshift with a predicted alternate stop codon (p.Y946Ifs*11). This alteration is expected to result in loss of function by premature protein truncation or nonsense-mediated mRNA decay. As such, this alteration is interpreted as a disease-causing mutation.

Myriad Genetics, Inc.
Classification: Pathogenic for Familial adenomatous polyposis 4. Last evaluated: 2023-08-31. Review status: criteria provided, single submitter. Criteria: Myriad Autosomal Dominant, Autosomal Recessive and X-Linked Classification Criteria (2023). Collection method: clinical testing. Allele origin: unknown.
Comment: This variant is considered pathogenic. This variant creates a frameshift predicted to result in premature protein truncation.

Labcorp Genetics (formerly Invitae), Labcorp
Classification: Pathogenic. Last evaluated: 2021-12-25. Review status: criteria provided, single submitter. Criteria: Invitae Variant Classification Sherloc (09022015). Collection method: clinical testing. Allele origin: germline.
Comment: This sequence change creates a premature translational stop signal (p.Tyr946Ilefs*11) in the MSH3 gene. It is expected to result in an absent or disrupted protein product. Loss-of-function variants in MSH3 are known to be pathogenic (PMID: 27476653). This variant is present in population databases (rs767188723, gnomAD 0.003%). This variant has not been reported in the literature in individuals affected with MSH3-related conditions. ClinVar contains an entry for this variant (Variation ID: 1069054). For these reasons, this variant has been classified as Pathogenic.

Baylor Genetics
Classification: Likely pathogenic for Endometrial carcinoma. Last evaluated: 2021-10-19. Review status: criteria provided, single submitter. Criteria: ACMG Guidelines, 2015. Collection method: clinical testing. Allele origin: unknown.

Literature cited by the submitters: PubMed 27476653 (cited by Labcorp Genetics (formerly Invitae), Labcorp).

NM_002439.5(MSH3):c.2835del (p.Tyr946fs)

Gene: MSH3 (mutS homolog 3; plus strand). Cytogenetic location: 5q14.1.
Variant type: Deletion.
Coding change: c.2835del on transcript NM_002439.5 (MANE Select); coding-DNA position 2835, one base deleted (A; older notation c.2835delA).
Protein change: p.Tyr946fs; shifts the reading frame from tyrosine 946.
Molecular consequence: frameshift variant.
Genome position (GRCh38, 1-based): chr5:80,854,151, A deleted. VCF-style (leftmost placement, unchanged base first): chr5-80854150-TA-T. GRCh37 (hg19) VCF-style: chr5-80149969-TA-T.
Other names: c.2835delA (NM_002439.3); short protein forms Y946fs.
Identifiers: ClinVar variation 1069054 (VCV001069054.9), dbSNP rs767188723, ClinGen allele CA3328383.